The following is an entry in ClinVar:

ClinVar aggregate classification (germline): Uncertain significance (1 of 4 stars; one submission).

Conditions:
Inborn genetic diseases. Identifiers: MedGen C0950123, MeSH D030342.

Submission:

Ambry Genetics
Classification: Uncertain significance for Inborn genetic diseases. Last evaluated: 2022-01-05. Review status: criteria provided, single submitter. Criteria: Ambry Variant Classification Scheme 2023. Collection method: clinical testing. Allele origin: germline.
Comment: The p.A667T variant (also known as c.1999G>A), located in coding exon 21 of the ERCC2 gene, results from a G to A substitution at nucleotide position 1999. The alanine at codon 667 is replaced by threonine, an amino acid with similar properties. This amino acid position is conserved. In addition, the in silico prediction for this alteration is inconclusive. Since supporting evidence is limited at this time, the clinical significance of this alteration remains unclear.

NM_000400.4(ERCC2):c.1999G>A (p.Ala667Thr)

Gene: ERCC2 (ERCC excision repair 2, TFIIH core complex helicase subunit; minus strand). Cytogenetic location: 19q13.32.
Variant type: single nucleotide variant.
Coding change: c.1999G>A on transcript NM_000400.4 (MANE Select); coding-DNA position 1999, G replaced by A.
Protein change: p.Ala667Thr; replaces alanine 667 with threonine.
Molecular consequence: missense variant.
Genome position (GRCh38, 1-based): chr19:45,352,553, C>T on the plus strand (G>A on the coding strand, the complement: ERCC2 is on the minus strand). VCF-style: chr19-45352553-C-T. GRCh37 (hg19) VCF-style: chr19-45855811-C-T.
Other names: short protein forms A667T.
Identifiers: ClinVar variation 1784113 (VCV001784113.2), dbSNP rs2513999256, ClinGen allele CA406363019.
Genomic context (GRCh38, chr19:45,352,553, plus strand): 5'-CCTGAAGCTGCACCTTGTCGGCAAAGACCATGAGGCCGTAGTCCGTCTTGCCCCTGATGG[C>T]CCGACCCACACACTGGGCCGCGTGGCGCATGGCATCGAAGGTAAGAAAGTCATTCTCACG-3'
Protein context (NP_000391.1, residues 657-677): MRHAAQCVGR[Ala667Thr]IRGKTDYGLM